The following is an entry in ClinVar:

NM_005560.6(LAMA5):c.8020C>T (p.Gln2674Ter)

Gene: LAMA5 (laminin subunit alpha 5; minus strand). Cytogenetic location: 20q13.33.
Variant type: single nucleotide variant.
Coding change: c.8020C>T on transcript NM_005560.6 (MANE Select); coding-DNA position 8020, C replaced by T.
Protein change: p.Gln2674Ter; replaces glutamine 2674 with a stop codon.
Molecular consequence: nonsense.
Genome position (GRCh38, 1-based): chr20:62,315,055, G>A on the plus strand (C>T on the coding strand, the complement: LAMA5 is on the minus strand). VCF-style: chr20-62315055-G-A. GRCh37 (hg19) VCF-style: chr20-60890111-G-A.
Other names: short protein forms Q2674*.
Identifiers: ClinVar variation 4850442 (VCV004850442.1).

ClinVar aggregate classification (germline): Likely pathogenic (1 of 4 stars; one submission).

Conditions:
Nephrotic syndrome, IIa 26. Also called: Nephrotic syndrome, type 26. Identifiers: MedGen C5774221, MONDO:0031061, OMIM 620049.
Bent bone dysplasia syndrome 2 (BBDS2). Identifiers: MedGen C5774233, MONDO:0859573, OMIM 620076.

Submission:

First Genomix Gene Laboratory, Genetic Diagnostics Department
Classification: Likely pathogenic for Bent bone dysplasia syndrome 2; Nephrotic syndrome, IIa 26. Last evaluated: 2025-09-24. Review status: criteria provided, single submitter. Criteria: ACMG Guidelines, 2015. Collection method: clinical testing. Allele origin: germline. Inheritance: Autosomal recessive inheritance. Affected: no. Observed: 1 variant allele.